The following is an entry in ClinVar:

ClinVar aggregate classification (germline): Pathogenic (1 of 4 stars; one submission).

Conditions:
Primary ciliary dyskinesia. Also called: Ciliary dyskinesia. Identifiers: Orphanet 244, MedGen C0008780, MONDO:0016575, HP:0012265.

Submission:

Ambry Genetics
Classification: Pathogenic for Primary ciliary dyskinesia. Last evaluated: 2015-08-13. Review status: criteria provided, single submitter. Criteria: Ambry Variant Classification Scheme 2023. Collection method: clinical testing. Allele origin: germline.
Comment: The c.10680delT pathogenic mutation, located in coding exon 65 of the DNAH11 gene, results from a deletion of one nucleotide at nucleotide position 10680, causing a translational frameshift with a predicted alternate stop codon. Since frameshifts are typically deleterious in nature, this alteration is interpreted as a disease-causing mutation (ACMG Recommendations for Standards for Interpretation and Reporting of Sequence Variations. Revision 2007. Genet Med. 2008;10:294).

NM_001277115.2(DNAH11):c.10680del (p.Gly3563fs)

Gene: DNAH11 (dynein axonemal heavy chain 11; plus strand). Cytogenetic location: 7p15.3.
Variant type: Deletion.
Coding change: c.10680del on transcript NM_001277115.2 (MANE Select); coding-DNA position 10680, one base deleted (T; older notation c.10680delT).
Protein change: p.Gly3563fs; shifts the reading frame from glycine 3563.
Molecular consequence: frameshift variant.
Genome position (GRCh38, 1-based): chr7:21,818,328, T deleted; the last of 2 consecutive T bases (chr7:21,818,327-21,818,328); deleting either gives the same sequence. VCF-style (leftmost placement, unchanged base first): chr7-21818326-AT-A. GRCh37 (hg19) VCF-style: chr7-21857944-AT-A.
Other names: c.10701delT, p.Gly3570Glufs (NM_003777.3); short protein forms G3563fs.
Identifiers: ClinVar variation 1782323 (VCV001782323.2), dbSNP rs2535362742, ClinGen allele CA2580076933.